The following is an entry in ClinVar:

ClinVar aggregate classification (germline): Uncertain significance (0 of 4 stars; one submission).

Conditions:
CUL3-related disorder. Also called: CUL3-related disorders; CUL3-related condition.

Submission:

PreventionGenetics, part of Exact Sciences
Classification: Uncertain significance for CUL3-related condition. Last evaluated: 2024-01-27. Review status: no assertion criteria provided. Collection method: clinical testing. Allele origin: germline.
Comment: The CUL3 c.1340C>T variant is predicted to result in the amino acid substitution p.Ser447Phe. To our knowledge, this variant has not been reported in the literature or in a large population database, indicating this variant is rare. At this time, the clinical significance of this variant is uncertain due to the absence of conclusive functional and genetic evidence.

NM_003590.5(CUL3):c.1340C>T (p.Ser447Phe)

Gene: CUL3 (cullin 3; minus strand). Cytogenetic location: 2q36.2.
Variant type: single nucleotide variant.
Coding change: c.1340C>T on transcript NM_003590.5 (MANE Select); coding-DNA position 1340, C replaced by T.
Protein change: p.Ser447Phe; replaces serine 447 with phenylalanine.
Molecular consequence: missense variant.
Genome position (GRCh38, 1-based): chr2:224,503,689, G>A on the plus strand (C>T on the coding strand, the complement: CUL3 is on the minus strand). VCF-style: chr2-224503689-G-A. GRCh37 (hg19) VCF-style: chr2-225368406-G-A.
Other names: c.1142C>T, p.Ser381Phe (NM_001257197.2); c.1358C>T, p.Ser453Phe (NM_001257198.2); short protein forms S381F, S447F, S453F.
Identifiers: ClinVar variation 3061426 (VCV003061426.2), dbSNP rs2106196731, ClinGen allele CA350827077.
Genomic context (GRCh38, chr2:224,503,689, plus strand): 5'-ATTTCATCTAAAACACACCTTACCTTTAACTTAGATATCATGTTTTTTTCAGAGTCATCA[G>A]AAACACTTTTATTTGTGAGAAGTCTCCTTGCCAAGTGTTGTTTATAATAACGTTCAAATA-3'
Protein context (NP_003581.1, residues 437-457): ARRLLTNKSV[Ser447Phe]DDSEKNMISK